The following is an entry in ClinVar:

Conditions:
Breast-ovarian cancer, familial, susceptibility to, 1 (BROVCA1). Also called: BRCA1 Hereditary Breast and Ovarian Cancer; OVARIAN CANCER, SUSCEPTIBILITY TO. Identifiers: Orphanet 145, MedGen C2676676, MONDO:0011450, OMIM 604370. Disease mechanism: loss of function.

Submission:

Brotman Baty Institute, University of Washington
No classification provided (evidence only). Condition: Breast-ovarian cancer, familial 1. Review status: no classification provided. Collection method: in vitro. Allele origin: not applicable. Functional consequence: functionally_normal.
ClinVar note: "not provided" was previously submitted as the classification for the variant. However, the classification appeared to be based only on an observation of functional data so it was converted to no classification on 2025-07-30.

NM_007294.4(BRCA1):c.5187G>A (p.Leu1729=)

Gene: BRCA1 (BRCA1 DNA repair associated; minus strand). Cytogenetic location: 17q21.31.
Variant type: single nucleotide variant.
Coding change: c.5187G>A on transcript NM_007294.4 (MANE Select); coding-DNA position 5187, G replaced by A.
Protein change: p.Leu1729=; no amino-acid change (leucine 1729 retained).
Molecular consequence: synonymous variant.
Genome position (GRCh38, 1-based): chr17:43,063,339, C>T on the plus strand (G>A on the coding strand, the complement: BRCA1 is on the minus strand). VCF-style: chr17-43063339-C-T. GRCh37 (hg19) VCF-style: chr17-41215356-C-T.
Other names: c.5046G>A, p.Leu1682= (NM_007297.4, NM_001407692.1, NM_001407694.1 and 13 more transcripts); c.1875G>A, p.Leu625= (NM_007298.4, NM_007299.4, NM_007304.2 and 13 more transcripts); c.5250G>A, p.Leu1750= (NM_007300.4, NM_001407583.1, NM_001407585.1 and 1 more transcripts); c.5253G>A, p.Leu1751= (NM_001407582.1, NM_001407581.1); c.5247G>A, p.Leu1749= (NM_001407590.1, NM_001407591.1); c.5187G>A, p.Leu1729= (NM_001407593.1, NM_001407594.1, NM_001407596.1 and 7 more transcripts); c.5184G>A, p.Leu1728= (NM_001407610.1, NM_001407611.1, NM_001407612.1 and 17 more transcripts); c.5181G>A, p.Leu1727= (NM_001407627.1, NM_001407628.1, NM_001407629.1 and 14 more transcripts); and 72 more.
Identifiers: ClinVar variation 865091 (VCV000865091.3), dbSNP rs1420995606, ClinGen allele CA500146043.